The following is an entry in ClinVar:

ClinVar aggregate classification (germline): Likely benign (1 of 4 stars; one submission).

Submission:

CeGaT Center for Human Genetics Tuebingen
Classification: Likely benign. Last evaluated: 2026-01-01. Review status: criteria provided, single submitter. Criteria: CeGaT Center For Human Genetics Tuebingen Variant Classification Criteria Version 2. Collection method: clinical testing. Allele origin: germline. Affected: yes. Observed: 2 variant alleles.
Comment: ZNF699: BP4, BP7

NM_198535.3(ZNF699):c.1071C>T (p.His357=)

Gene: ZNF699 (zinc finger protein 699; minus strand). Cytogenetic location: 19p13.2.
Variant type: single nucleotide variant.
Coding change: c.1071C>T on transcript NM_198535.3 (MANE Select); coding-DNA position 1071, C replaced by T.
Protein change: p.His357=; no amino-acid change (histidine 357 retained).
Molecular consequence: synonymous variant.
Genome position (GRCh38, 1-based): chr19:9,296,333, G>A on the plus strand (C>T on the coding strand, the complement: ZNF699 is on the minus strand). VCF-style: chr19-9296333-G-A. GRCh37 (hg19) VCF-style: chr19-9407009-G-A.
Identifiers: ClinVar variation 4280925 (VCV004280925.7).